The following is an entry in ClinVar:

ClinVar aggregate classification (germline): Uncertain significance (1 of 4 stars; one submission).

Allele frequency attached by ClinVar (database versions not stated): gnomAD exomes below 0.00001.
gnomAD v4.1: 1 of 1,608,102 alleles (0.000062%); highest among the groups gnomAD compares: African/African-American, 0.0013%; no homozygotes.

Submission:

Labcorp Genetics (formerly Invitae), Labcorp
Classification: Uncertain significance. Last evaluated: 2022-10-12. Review status: criteria provided, single submitter. Criteria: Invitae Variant Classification Sherloc (09022015). Collection method: clinical testing. Allele origin: germline.
Comment: Algorithms developed to predict the effect of missense changes on protein structure and function (SIFT, PolyPhen-2, Align-GVGD) all suggest that this variant is likely to be tolerated. This variant has not been reported in the literature in individuals affected with NFKB1-related conditions. This variant is not present in population databases (gnomAD no frequency). This sequence change replaces threonine, which is neutral and polar, with alanine, which is neutral and non-polar, at codon 22 of the NFKB1 protein (p.Thr22Ala). In summary, the available evidence is currently insufficient to determine the role of this variant in disease. Therefore, it has been classified as a Variant of Uncertain Significance.

NM_003998.4(NFKB1):c.64A>G (p.Thr22Ala)

Gene: NFKB1 (nuclear factor kappa B subunit 1; plus strand). Cytogenetic location: 4q24.
Variant type: single nucleotide variant.
Coding change: c.64A>G on transcript NM_003998.4 (MANE Select); coding-DNA position 64, A replaced by G.
Protein change: p.Thr22Ala; replaces threonine 22 with alanine.
Molecular consequence: missense variant.
Genome position (GRCh38, 1-based): chr4:102,529,860, A>G. VCF-style: chr4-102529860-A-G. GRCh37 (hg19) VCF-style: chr4-103451017-A-G.
Other names: c.64A>G, p.Thr22Ala (NM_001165412.2, NM_001319226.2, NM_001382625.1 and 2 more transcripts); c.25A>G, p.Thr9Ala (NM_001382628.1); short protein forms T9A, T22A.
Identifiers: ClinVar variation 2114375 (VCV002114375.4), dbSNP rs2476157260, ClinGen allele CA357957357.
Genomic context (GRCh38, chr4:102,529,860, plus strand): 5'-ATAATGATTGAAACATTTAAATGTTCTTCTTTACAGATGTTTCATTTGGATCCTTCTTTG[A>G]CTCATACAATATTTAATCCAGAAGTATTTCAACCACAGATGGCACTGCCAACAGGTAAGA-3'
Protein context (NP_003989.2, residues 12-32): EQMFHLDPSL[Thr22Ala]HTIFNPEVFQ